The following is an entry in ClinVar:

NM_001401501.2(MUC16):c.39132C>T (p.Ser13044=)

Gene: MUC16 (mucin 16, cell surface associated; minus strand). Cytogenetic location: 19p13.2.
Variant type: single nucleotide variant.
Coding change: c.39132C>T on transcript NM_001401501.2 (MANE Select); coding-DNA position 39132, C replaced by T.
Protein change: p.Ser13044=; no amino-acid change (serine 13044 retained).
Molecular consequence: synonymous variant.
Genome position (GRCh38, 1-based): chr19:8,900,296, G>A on the plus strand (C>T on the coding strand, the complement: MUC16 is on the minus strand). VCF-style: chr19-8900296-G-A. GRCh37 (hg19) VCF-style: chr19-9010972-G-A.
Other names: c.39558C>T, p.Ser13186= (NM_001414686.1); c.39012C>T, p.Ser13004= (NM_001414687.1); c.38946C>T, p.Ser12982= (NM_024690.2).
Identifiers: ClinVar variation 3035073 (VCV003035073.2), dbSNP rs1334246549, ClinGen allele CA505286274.

ClinVar aggregate classification (germline): Likely benign (0 of 4 stars; one submission).

Conditions:
MUC16-related disorder. Also called: MUC16-related condition.

Submission:

PreventionGenetics, part of Exact Sciences
Classification: Likely benign for MUC16-related condition. Last evaluated: 2019-08-26. Review status: no assertion criteria provided. Collection method: clinical testing. Allele origin: germline.
Comment: This variant is classified as likely benign based on ACMG/AMP sequence variant interpretation guidelines (Richards et al. 2015 PMID: 25741868, with internal and published modifications).